The following is an entry in ClinVar:

NM_177550.5(SLC13A5):c.1118del (p.Gln373fs)

Gene: SLC13A5 (solute carrier family 13 member 5; minus strand). Cytogenetic location: 17p13.1.
Variant type: Deletion.
Coding change: c.1118del on transcript NM_177550.5 (MANE Select); coding-DNA position 1118, one base deleted (A; older notation c.1118delA).
Protein change: p.Gln373fs; shifts the reading frame from glutamine 373.
Molecular consequence: frameshift variant.
Genome position (GRCh38, 1-based): chr17:6,694,135, T deleted on the plus strand (A on the coding strand, the reverse complement: SLC13A5 is on the minus strand). VCF-style (leftmost placement, unchanged base first): chr17-6694134-CT-C. GRCh37 (hg19) VCF-style: chr17-6597453-CT-C.
Other names: c.1118del, p.Gln373fs (NM_001143838.3); c.1067del, p.Gln356fs (NM_001284509.2); c.989del, p.Gln330fs (NM_001284510.2); short protein forms Q373fs, Q330fs, Q356fs.
Identifiers: ClinVar variation 4715028 (VCV004715028.1).

ClinVar aggregate classification (germline): Pathogenic (1 of 4 stars; one submission).

Conditions:
Developmental and epileptic encephalopathy, 25 (DEE25). Also called: Epileptic encephalopathy, early infantile, 25; Developmental and epileptic encephalopathy 25, with amelogenesis imperfecta; Epileptic encephalopathy, early infantile, 25, with amelogenesis imperfecta. Identifiers: Orphanet 442835, MedGen C4014621, MONDO:0014392, OMIM 615905.

Submission:

Labcorp Genetics (formerly Invitae), Labcorp
Classification: Pathogenic for Developmental and epileptic encephalopathy, 25. Last evaluated: 2025-03-13. Review status: criteria provided, single submitter. Criteria: Invitae Variant Classification Sherloc (09022015). Collection method: clinical testing. Allele origin: germline.
Comment: This sequence change creates a premature translational stop signal (p.Gln373Argfs*29) in the SLC13A5 gene. It is expected to result in an absent or disrupted protein product. Loss-of-function variants in SLC13A5 are known to be pathogenic (PMID: 24995870, 26384929). This variant is not present in population databases (gnomAD no frequency). This variant has not been reported in the literature in individuals affected with SLC13A5-related conditions. For these reasons, this variant has been classified as Pathogenic.

Literature cited by the submitters: PubMed 24995870; PubMed 26384929.